The following is an entry in ClinVar:

ClinVar aggregate classification (germline): Likely benign. Review status: criteria provided, multiple submitters, no conflicts (2 of 4 stars). 2 submissions from 2 submitters: Likely benign (2). Last evaluated 2026-01-20.

Conditions:
Pigmentary pallidal degeneration (NBIA1). Also called: HARP SYNDROME; PKAN NEUROAXONAL DYSTROPHY, JUVENILE-ONSET; Neurodegeneration with brain iron accumulation 1; Pantothenate Kinase-Associated Neurodegeneration; Neuroaxonal dystrophy, late infantile; Hallervorden-Spatz disease. Identifiers: Orphanet 157850, MedGen C0018523, MONDO:0009319, OMIM 234200.

Allele frequency attached by ClinVar (database versions not stated): gnomAD 0.00002; ExAC 0.00003; gnomAD exomes 0.00006.
gnomAD v4.1: 52 of 1,613,602 alleles (0.0032%); highest among the groups gnomAD compares: Non-Finnish European, 0.00085%; no homozygotes.

Submissions (2):

Labcorp Genetics (formerly Invitae), Labcorp
Classification: Likely benign for Pigmentary pallidal degeneration. Last evaluated: 2026-01-20. Review status: criteria provided, single submitter. Criteria: Invitae Variant Classification Sherloc (09022015). Collection method: clinical testing. Allele origin: germline.

Mayo Clinic Laboratories, Mayo Clinic
Classification: Likely benign. Last evaluated: 2025-05-12. Review status: criteria provided, single submitter. Criteria: ACMG Guidelines, 2015. Collection method: clinical testing. Allele origin: germline. Observed: 1 variant allele.
Comment: BP4, BP7

NM_001386393.1(PANK2):c.1207-11G>C

Gene: PANK2 (pantothenate kinase 2; plus strand). Cytogenetic location: 20p13.
Variant type: single nucleotide variant.
Coding change: c.1207-11G>C on transcript NM_001386393.1 (MANE Select); 11 bases into the intron before coding-DNA position 1207, G replaced by C.
Molecular consequence: intron variant.
Genome position (GRCh38, 1-based): chr20:3,918,660, G>C. VCF-style: chr20-3918660-G-C. GRCh37 (hg19) VCF-style: chr20-3899307-G-C.
Other names: p.?; c.1537-11G>C (NM_153638.3, NM_153638.4); c.664-11G>C (NM_024960.6, NM_001324191.2, NM_153640.4); c.229-11G>C (NM_001324193.2).
Identifiers: ClinVar variation 1594592 (VCV001594592.9), dbSNP rs753139032, ClinGen allele CA9750925.